The following is an entry in ClinVar:

ClinVar aggregate classification (germline): Conflicting classifications of pathogenicity. Review status: criteria provided, conflicting classifications (1 of 4 stars). 3 submissions from 3 submitters: Uncertain significance (2); Likely benign (1). Last evaluated 2025-07-16.

Allele frequency attached by ClinVar (database versions not stated): gnomAD 0.00001; TOPMed 0.00001; ExAC 0.00002; gnomAD exomes 0.00002.

Submissions (3):

Quest Diagnostics Nichols Institute San Juan Capistrano
Classification: Uncertain significance. Last evaluated: 2025-07-16. Review status: criteria provided, single submitter. Criteria: Quest Diagnostics criteria. Collection method: clinical testing. Allele origin: unknown.
Comment: The RECQL c.1607C>T (p.Thr536Ile) variant has not been reported in individuals with RECQL-related conditions in the published literature. The frequency of this variant in the general population (Genome Aggregation Database) is uninformative in the assessment of its pathogenicity. Analysis of this variant using bioinformatics tools for the prediction of the effect of amino acid changes on protein structure and function yielded predictions that this variant is benign. Based on the available information, we are unable to determine the clinical significance of this variant.

Ambry Genetics
Classification: Likely benign. Last evaluated: 2024-03-28. Review status: criteria provided, single submitter. Criteria: Ambry Variant Classification Scheme 2023. Collection method: clinical testing. Allele origin: germline.

GeneDx
Classification: Uncertain significance. Last evaluated: 2022-07-05. Review status: criteria provided, single submitter. Criteria: GeneDx Variant Classification Process June 2021. Collection method: clinical testing. Allele origin: germline. Affected: yes.
Comment: In silico analysis supports that this missense variant does not alter protein structure/function; Has not been previously published as pathogenic or benign to our knowledge; This variant is associated with the following publications: (PMID: 27248010, 19151156)

NM_002907.4(RECQL):c.1607C>T (p.Thr536Ile)

Gene: RECQL (RecQ like helicase; minus strand). Cytogenetic location: 12p12.1.
Variant type: single nucleotide variant.
Coding change: c.1607C>T on transcript NM_002907.4 (MANE Select); coding-DNA position 1607, C replaced by T.
Protein change: p.Thr536Ile; replaces threonine 536 with isoleucine.
Molecular consequence: missense variant.
Genome position (GRCh38, 1-based): chr12:21,471,488, G>A on the plus strand (C>T on the coding strand, the complement: RECQL is on the minus strand). VCF-style: chr12-21471488-G-A. GRCh37 (hg19) VCF-style: chr12-21624422-G-A.
Other names: c.1607C>T, p.Thr536Ile (NM_032941.3); short protein forms T536I.
Identifiers: ClinVar variation 1776313 (VCV001776313.6), dbSNP rs757056658, ClinGen allele CA6478710.